The following is an entry in ClinVar:

ClinVar aggregate classification (germline): Conflicting classifications of pathogenicity. Review status: criteria provided, conflicting classifications (1 of 4 stars). 6 submissions from 6 submitters: Uncertain significance (1); Likely benign (3). 2 of the submissions do not count toward it. Last evaluated 2025-10-14.

Conditions:
MAN2B1-related disorder. Also called: MAN2B1-related condition.
Deficiency of alpha-mannosidase (MANSA). Also called: LYSOSOMAL ALPHA-D-MANNOSIDASE DEFICIENCY; Mannosidosis, alpha-, types I and II; Alpha-Mannosidosis. Identifiers: Orphanet 61, MedGen C0024748, MONDO:0009561, OMIM 248500.

gnomAD v4.1: 47 of 1,614,064 alleles (0.0029%); highest among the groups gnomAD compares: Admixed American, 0.035%; no homozygotes.

Submissions (6):

Labcorp Genetics (formerly Invitae), Labcorp
Classification: Likely benign for Deficiency of alpha-mannosidase. Last evaluated: 2025-10-14. Review status: criteria provided, single submitter. Criteria: Invitae Variant Classification Sherloc (09022015). Collection method: clinical testing. Allele origin: germline.

Blueprint Genetics
Classification: Likely benign. Last evaluated: 2023-03-30. Review status: criteria provided, single submitter. Criteria: ACMG Guidelines, 2015. Collection method: clinical testing. Allele origin: germline.

Genome-Nilou Lab
Classification: Likely benign for Deficiency of alpha-mannosidase. Last evaluated: 2021-09-05. Review status: criteria provided, single submitter. Criteria: ACMG Guidelines, 2015. Collection method: clinical testing. Allele origin: germline. Affected: no.

Illumina Laboratory Services, Illumina
Classification: Uncertain significance for Deficiency of alpha-mannosidase. Last evaluated: 2018-01-13. Review status: criteria provided, single submitter. Criteria: ICSL Variant Classification Criteria 13 December 2019. Collection method: clinical testing. Allele origin: germline.

PreventionGenetics, part of Exact Sciences
Classification: Likely benign for MAN2B1-related condition. Last evaluated: 2023-10-26. Review status: no assertion criteria provided. Collection method: clinical testing. Allele origin: germline. Not counted in ClinVar's aggregate classification.
Comment: This variant is classified as likely benign based on ACMG/AMP sequence variant interpretation guidelines (Richards et al. 2015 PMID: 25741868, with internal and published modifications).

Natera, Inc.
Classification: Likely benign for Alpha-mannosidosis. Last evaluated: 2020-03-28. Review status: no assertion criteria provided. Collection method: clinical testing. Allele origin: germline. Not counted in ClinVar's aggregate classification.

NM_000528.4(MAN2B1):c.1167C>T (p.Thr389=)

Gene: MAN2B1 (mannosidase alpha class 2B member 1; minus strand). Cytogenetic location: 19p13.13.
Variant type: single nucleotide variant.
Coding change: c.1167C>T on transcript NM_000528.4 (MANE Select); coding-DNA position 1167, C replaced by T.
Protein change: p.Thr389=; no amino-acid change (threonine 389 retained).
Molecular consequence: synonymous variant.
Genome position (GRCh38, 1-based): chr19:12,658,287, G>A on the plus strand (C>T on the coding strand, the complement: MAN2B1 is on the minus strand). VCF-style: chr19-12658287-G-A. GRCh37 (hg19) VCF-style: chr19-12769101-G-A.
Other names: c.1164C>T, p.Thr388= (NM_001173498.2).
Identifiers: ClinVar variation 751916 (VCV000751916.24), dbSNP rs762375074, ClinGen allele CA9226560.
Genomic context (GRCh38, chr19:12,658,287, plus strand): 5'-CAGGAAGTTGTAGCTGAGGCGCTCGTAGCGTTTGAGGGCCGGCCGACTGGAAAAGTAACC[G>A]GTCCAGAACTGGTGGGGGCCATCCGCGTAAGGGAAGAAGTCGTCATGTTTCACTGACCTA-3'
Protein context (NP_000519.2, residues 379-399): PYADGPHQFW[Thr389=]GYFSSRPALK